The following is an entry in ClinVar:

NM_001958.5(EEF1A2):c.1265-45del

Gene: EEF1A2 (eukaryotic translation elongation factor 1 alpha 2; minus strand). Cytogenetic location: 20q13.33.
Variant type: Deletion.
Coding change: c.1265-45del on transcript NM_001958.5 (MANE Select); 45 bases into the intron before coding-DNA position 1265, one base deleted (G; older notation c.1265-45delG).
Molecular consequence: intron variant.
Genome position (GRCh38, 1-based): chr20:63,488,470, C deleted on the plus strand (G on the coding strand, the reverse complement: EEF1A2 is on the minus strand); the first of 8 consecutive C bases (chr20:63,488,470-63,488,477); deleting any one gives the same sequence. VCF-style (leftmost placement, unchanged base first): chr20-63488469-AC-A. GRCh37 (hg19) VCF-style: chr20-62119822-AC-A.
Identifiers: ClinVar variation 680019 (VCV000680019.1), dbSNP rs140125000, ClinGen allele CA9958934.

ClinVar aggregate classification (germline): Benign (1 of 4 stars; one submission).

Submission:

GeneDx
Classification: Benign. Last evaluated: 2018-06-14. Review status: criteria provided, single submitter. Criteria: GeneDx Variant Classification (06012015). Collection method: clinical testing. Allele origin: germline. Affected: yes.
Comment: This variant is considered likely benign or benign based on one or more of the following criteria: it is a conservative change, it occurs at a poorly conserved position in the protein, it is predicted to be benign by multiple in silico algorithms, and/or has population frequency not consistent with disease.